The following is an entry in ClinVar:

ClinVar aggregate classification (germline): Uncertain significance (1 of 4 stars; one submission).

Conditions:
Neurodevelopmental disorder. Identifiers: MedGen C1535926, MeSH D065886, MONDO:0700092.

Submission:

Victorian Clinical Genetics Services, Murdoch Childrens Research Institute
Classification: Uncertain significance for Neurodevelopmental disorder. Last evaluated: 2026-06-08. Review status: criteria provided, single submitter. Criteria: ACMG Guidelines, 2015. Collection method: clinical testing. Allele origin: germline. Affected: yes.
Comment: This variant is classified as VUS-3A. Evidence in support of pathogenic classification: Variant is present in gnomAD <0.01 (v4: 2 heterozygote(s), 0 homozygote(s)); Missense variant in a region that is highly intolerant to missense variation (high constraint region in DECIPHER); Missense variant predicted to be damaging by in silico tool(s) or highly conserved with a major amino acid change. Additional information: Variant is predicted to result in a missense amino acid change from Pro to Arg; This variant is heterozygous; This gene is associated with both recessive and dominant disease (PMID: 39502664); Alternative amino acid change(s) at the same position are present in gnomAD (highest allele count: v4: 2 heterozygote(s), 0 homozygote(s)); This variant has no previous evidence of pathogenicity; No published evidence of segregation with disease has been identified for this variant; No published functional evidence has been identified for this variant; No comparable missense variants have previous evidence for pathogenicity; Loss of function is a known mechanism of disease in this gene and is associated with recessive neurodevelopmental disorder (MONDO:0700092), BHLHE22-related. The mechanism for dominant disease caused by missense variants is not clearly established.

Literature cited by the submitters: PubMed 39502664.

NM_152414.5(BHLHE22):c.824C>G (p.Pro275Arg)

Genes: BHLHE22 (basic helix-loop-helix family member e22; plus strand), BHLHE22-AS1 (BHLHE22 antisense RNA 1; minus strand). Cytogenetic location: 8q12.3.
Variant type: single nucleotide variant.
Coding change: c.824C>G on transcript NM_152414.5 (MANE Select); coding-DNA position 824, C replaced by G.
Protein change: p.Pro275Arg; replaces proline 275 with arginine.
Molecular consequence: missense variant.
Genome position (GRCh38, 1-based): chr8:64,581,614, C>G. VCF-style: chr8-64581614-C-G. GRCh37 (hg19) VCF-style: chr8-65494171-C-G.
Other names: short protein forms P275R.
Identifiers: ClinVar variation 4879823 (VCV004879823.1).